The following is an entry in ClinVar:

ClinVar aggregate classification (germline): Likely benign (1 of 4 stars; one submission).

Submission:

CeGaT Center for Human Genetics Tuebingen
Classification: Likely benign. Last evaluated: 2026-05-01. Review status: criteria provided, single submitter. Criteria: CeGaT Center For Human Genetics Tuebingen Variant Classification Criteria Version 2. Collection method: clinical testing. Allele origin: germline. Affected: yes. Observed: 1 variant allele.
Comment: FBLN5: BP4, BP7

NM_006329.4(FBLN5):c.125-1178G>A

Gene: FBLN5 (fibulin 5; minus strand). Cytogenetic location: 14q32.12.
Variant type: single nucleotide variant.
Coding change: c.125-1178G>A on transcript NM_006329.4 (MANE Select); 1178 bases into the intron before coding-DNA position 125, G replaced by A.
Molecular consequence: intron variant. On other transcripts: synonymous variant (1).
Genome position (GRCh38, 1-based): chr14:91,938,379, C>T on the plus strand (G>A on the coding strand, the complement: FBLN5 is on the minus strand). VCF-style: chr14-91938379-C-T. GRCh37 (hg19) VCF-style: chr14-92404723-C-T.
Other names: c.198G>A, p.Pro66= (NM_001384158.1); c.125-1178G>A (NM_001384160.1); c.-44-1178G>A (NM_001384162.1, NM_001384161.1); c.176-1178G>A (NM_001384159.1).
Identifiers: ClinVar variation 4872362 (VCV004872362.2).